The following is an entry in ClinVar:

ClinVar aggregate classification (germline): Conflicting classifications of pathogenicity. Review status: criteria provided, conflicting classifications (1 of 4 stars). 2 submissions from 2 submitters: Uncertain significance (1); Likely benign (1). Last evaluated 2025-07-16.

Allele frequency attached by ClinVar (database versions not stated): ExAC 0.00003; TOPMed 0.00004.
gnomAD v4.1: 37 of 1,614,210 alleles (0.0023%); highest among the groups gnomAD compares: East Asian, 0.082%; no homozygotes.

Submissions (2):

Ambry Genetics
Classification: Likely benign. Last evaluated: 2025-07-16. Review status: criteria provided, single submitter. Criteria: Ambry Variant Classification Scheme 2023. Collection method: clinical testing. Allele origin: germline.

Labcorp Genetics (formerly Invitae), Labcorp
Classification: Uncertain significance. Last evaluated: 2022-10-26. Review status: criteria provided, single submitter. Criteria: Invitae Variant Classification Sherloc (09022015). Collection method: clinical testing. Allele origin: germline.
Comment: This sequence change replaces glutamic acid, which is acidic and polar, with aspartic acid, which is acidic and polar, at codon 1301 of the DLC1 protein (p.Glu1301Asp). This variant is present in population databases (rs200118247, gnomAD 0.05%). This variant has not been reported in the literature in individuals affected with DLC1-related conditions. Algorithms developed to predict the effect of missense changes on protein structure and function (SIFT, PolyPhen-2, Align-GVGD) all suggest that this variant is likely to be tolerated. In summary, the available evidence is currently insufficient to determine the role of this variant in disease. Therefore, it has been classified as a Variant of Uncertain Significance.

NM_182643.3(DLC1):c.3903G>T (p.Glu1301Asp)

Genes: DLC1 (DLC1 Rho GTPase activating protein; minus strand), LOC126860305 (MED14-independent group 3 enhancer GRCh37_chr8:12947375-12948574; plus strand). Cytogenetic location: 8p22.
Variant type: single nucleotide variant.
Coding change: c.3903G>T on transcript NM_182643.3 (MANE Select); coding-DNA position 3903, G replaced by T.
Protein change: p.Glu1301Asp; replaces glutamic acid 1301 with aspartic acid.
Molecular consequence: missense variant. On other transcripts: intron variant (2).
Genome position (GRCh38, 1-based): chr8:13,090,423, C>A on the plus strand (G>T on the coding strand, the complement: DLC1 is on the minus strand). VCF-style: chr8-13090423-C-A. GRCh37 (hg19) VCF-style: chr8-12947932-C-A.
Other names: c.2370G>T, p.Glu790Asp (NM_001164271.2, NM_001348082.2, NM_001348083.1 and 6 more transcripts); c.2694G>T, p.Glu898Asp (NM_001316668.2); c.3903G>T, p.Glu1301Asp (NM_001348081.2, NM_001413124.1); c.2685G>T, p.Glu895Asp (NM_001413130.1); c.2343G>T, p.Glu781Asp (NM_001413131.1, NM_001413137.1); c.2829G>T, p.Glu943Asp (NM_001413132.1); c.2592G>T, p.Glu864Asp (NM_001413135.1, NM_001413139.1, NM_006094.5); c.2727G>T, p.Glu909Asp (NM_001413140.1); and 3 more; short protein forms E909D, E943D, E1301D, E895D, E898D, E781D, E864D, E790D.
Identifiers: ClinVar variation 2870598 (VCV002870598.4), dbSNP rs200118247, ClinGen allele CA4638105.